The following is an entry in ClinVar:

NM_016616.5(NME8):c.819-3C>G

Gene: NME8 (NME/NM23 family member 8; plus strand). Cytogenetic location: 7p14.1.
Variant type: single nucleotide variant.
Coding change: c.819-3C>G on transcript NM_016616.5 (MANE Select); 3 bases into the intron before coding-DNA position 819, C replaced by G.
Molecular consequence: intron variant.
Genome position (GRCh38, 1-based): chr7:37,876,829, C>G. VCF-style: chr7-37876829-C-G. GRCh37 (hg19) VCF-style: chr7-37916431-C-G.
Identifiers: ClinVar variation 952315 (VCV000952315.9), dbSNP rs1313065577, ClinGen allele CA573961074.

ClinVar aggregate classification (germline): Uncertain significance (1 of 4 stars; one submission).

Conditions:
Primary ciliary dyskinesia 6. Also called: Primary Ciliary Dyskinesia 6: TXNDC3-Related Primary Ciliary Dyskinesia. Identifiers: Orphanet 244, MedGen C1970506, MONDO:0012571, OMIM 610852.

Allele frequency attached by ClinVar (database versions not stated): gnomAD 0.00001; gnomAD exomes 0.00001; TOPMed 0.00002.
gnomAD v4.1: 5 of 1,605,040 alleles (0.00031%); highest among the groups gnomAD compares: Admixed American, 0.0083%; no homozygotes.

Submission:

Labcorp Genetics (formerly Invitae), Labcorp
Classification: Uncertain significance for Primary ciliary dyskinesia 6. Last evaluated: 2022-09-06. Review status: criteria provided, single submitter. Criteria: Invitae Variant Classification Sherloc (09022015). Collection method: clinical testing. Allele origin: germline.
Comment: In summary, the available evidence is currently insufficient to determine the role of this variant in disease. Therefore, it has been classified as a Variant of Uncertain Significance. Variants that disrupt the consensus splice site are a relatively common cause of aberrant splicing (PMID: 17576681, 9536098). Algorithms developed to predict the effect of sequence changes on RNA splicing suggest that this variant may disrupt the consensus splice site. ClinVar contains an entry for this variant (Variation ID: 952315). This variant has not been reported in the literature in individuals affected with NME8-related conditions. This variant is present in population databases (no rsID available, gnomAD 0.009%). This sequence change falls in intron 11 of the NME8 gene. It does not directly change the encoded amino acid sequence of the NME8 protein. It affects a nucleotide within the consensus splice site.

Literature cited by the submitters: PubMed 17576681; PubMed 9536098.